The following is an entry in ClinVar:

ClinVar aggregate classification (germline): Uncertain significance. Review status: criteria provided, multiple submitters, no conflicts (2 of 4 stars). 2 submissions from 2 submitters: Uncertain significance (2). Last evaluated 2025-08-04.

Conditions:
Inborn genetic diseases. Identifiers: MedGen C0950123, MeSH D030342.

Allele frequency attached by ClinVar (database versions not stated): gnomAD exomes 0.00001 and 0.00002; ExAC 0.00002; gnomAD 0.00003 and 0.00004; TOPMed 0.00003.

Submissions (2):

Ambry Genetics
Classification: Uncertain significance for Inborn genetic diseases. Last evaluated: 2025-08-04. Review status: criteria provided, single submitter. Criteria: Ambry Variant Classification Scheme 2023. Collection method: clinical testing. Allele origin: germline.

Labcorp Genetics (formerly Invitae), Labcorp
Classification: Uncertain significance. Last evaluated: 2022-06-13. Review status: criteria provided, single submitter. Criteria: Invitae Variant Classification Sherloc (09022015). Collection method: clinical testing. Allele origin: germline.
Comment: In summary, the available evidence is currently insufficient to determine the role of this variant in disease. Therefore, it has been classified as a Variant of Uncertain Significance. Algorithms developed to predict the effect of missense changes on protein structure and function (SIFT, PolyPhen-2, Align-GVGD) all suggest that this variant is likely to be tolerated. This variant has not been reported in the literature in individuals affected with LARP7-related conditions. This variant is present in population databases (rs759582573, gnomAD 0.003%). This sequence change replaces alanine, which is neutral and non-polar, with threonine, which is neutral and polar, at codon 324 of the LARP7 protein (p.Ala324Thr).

NM_016648.4(LARP7):c.970G>A (p.Ala324Thr)

Genes: LARP7 (La ribonucleoprotein 7, transcriptional regulator; plus strand), MIR302CHG (miR-302/367 cluster host gene; minus strand). Cytogenetic location: 4q25.
Variant type: single nucleotide variant.
Coding change: c.970G>A on transcript NM_016648.4 (MANE Select); coding-DNA position 970, G replaced by A.
Protein change: p.Ala324Thr; replaces alanine 324 with threonine.
Molecular consequence: missense variant.
Genome position (GRCh38, 1-based): chr4:112,647,522, G>A. VCF-style: chr4-112647522-G-A. GRCh37 (hg19) VCF-style: chr4-113568678-G-A.
Other names: c.970G>A (NM_016648.2); c.970G>A, p.Ala324Thr (NM_001267039.4, NM_001370974.1, NM_001370975.1 and 2 more transcripts); c.967G>A, p.Ala323Thr (NM_001370976.1, NM_001370977.1, NM_001370979.1 and 1 more transcripts); c.733G>A, p.Ala245Thr (NM_001370981.1, NM_001370982.1); short protein forms A323T, A324T, A245T.
Identifiers: ClinVar variation 1432230 (VCV001432230.6), dbSNP rs759582573, ClinGen allele CA3049314.
Genomic context (GRCh38, chr4:112,647,522, plus strand): 5'-GAATCCCTAGCTCCCCGATCAAAAGTAAAGAAAATTATTCAGAAAGACATCATTAAGGAA[G>A]CATCAGAAGCTTCCAAGGAAAATAGAGGTAAAACTACAAGGTTTTAATTAGATAAAACTA-3'
Protein context (NP_057732.2, residues 314-334): KIIQKDIIKE[Ala324Thr]SEASKENRDI